The following is an entry in ClinVar:

NM_000138.5(FBN1):c.2433C>G (p.Cys811Trp)

Gene: FBN1 (fibrillin 1; minus strand). Cytogenetic location: 15q21.1.
Variant type: single nucleotide variant.
Coding change: c.2433C>G on transcript NM_000138.5 (MANE Select); coding-DNA position 2433, C replaced by G.
Protein change: p.Cys811Trp; replaces cysteine 811 with tryptophan.
Molecular consequence: missense variant.
Genome position (GRCh38, 1-based): chr15:48,495,575, G>C on the plus strand (C>G on the coding strand, the complement: FBN1 is on the minus strand). VCF-style: chr15-48495575-G-C. GRCh37 (hg19) VCF-style: chr15-48787772-G-C.
Other names: short protein forms C811W.
Identifiers: ClinVar variation 549082 (VCV000549082.9), dbSNP rs193921256, ClinGen allele CA392334815.
Genomic context (GRCh38, chr15:48,495,575, plus strand): 5'-TTCACAAATAAAAGAGCCTGGGCTGTTCTTGCAGACTCCATTAATGCAAGGACTTGATTC[G>C]CATTCATCAATGTCTGAAACAAAAACAGGTCTACATTACTGCTAAAATCTAGTCTTGGGC-3'
Protein context (NP_000129.3, residues 801-821): DLKTCEDIDE[Cys811Trp]ESSPCINGVC

ClinVar aggregate classification (germline): Pathogenic/Likely pathogenic. Review status: criteria provided, multiple submitters, no conflicts (2 of 4 stars). 3 submissions from 3 submitters: Pathogenic (1); Likely pathogenic (1). 1 of the submissions does not count toward it. Last evaluated 2024-07-16.

Conditions:
Familial thoracic aortic aneurysm and aortic dissection (TAAD). Also called: Thoracic aortic aneurysms and dissections. Identifiers: Orphanet 91387, MedGen C4707243, MONDO:0019625.
Marfan syndrome (MFS). Also called: Marfan syndrome type 1; Marfan syndrome, classic; Marfan's syndrome; FBN1-Related Marfan Syndrome; MARFAN SYNDROME, TYPE I. Identifiers: Orphanet 284963, Orphanet 558, MedGen C0024796, MONDO:0007947, OMIM 154700.
FBN1-related disorder. Also called: FBN1-related disorders.

Submissions (3):

Labcorp Genetics (formerly Invitae), Labcorp
Classification: Pathogenic for Marfan syndrome; Familial thoracic aortic aneurysm and aortic dissection. Last evaluated: 2024-07-16. Review status: criteria provided, single submitter. Criteria: Invitae Variant Classification Sherloc (09022015). Collection method: clinical testing. Allele origin: germline.
Comment: This sequence change replaces cysteine, which is neutral and slightly polar, with tryptophan, which is neutral and slightly polar, at codon 811 of the FBN1 protein (p.Cys811Trp). This variant is not present in population databases (gnomAD no frequency). This missense change has been observed in individual(s) with Marfan syndrome (PMID: 15241795, 31098894). In at least one individual the variant was observed to be de novo. ClinVar contains an entry for this variant (Variation ID: 549082). Advanced modeling of protein sequence and biophysical properties (such as structural, functional, and spatial information, amino acid conservation, physicochemical variation, residue mobility, and thermodynamic stability) performed at Invitae indicates that this missense variant is expected to disrupt FBN1 protein function with a positive predictive value of 95%. This variant affects a cysteine residue in the EGF-like, TGFBP or hybrid motif domains of FBN1. Cysteine residues are believed to be involved in intramolecular disulfide bridges and have been shown to be important for FBN1 protein structure (PMID: 16905551, 19349279). In addition, missense substitutions affecting cysteine residues within these domains are significantly overrepresented among patients with Marfan syndrome (PMID: 16571647, 17701892). For these reasons, this variant has been classified as Pathogenic.

Blueprint Genetics
Classification: Likely pathogenic for FBN1-related disorders. Last evaluated: 2023-05-03. Review status: criteria provided, single submitter. Criteria: ACMG Guidelines, 2015. Collection method: clinical testing. Allele origin: germline. Affected: yes. Observed: 2 variant alleles.

Center for Medical Genetics Ghent, University of Ghent
Classification: Pathogenic for Marfan syndrome. Last evaluated: 2017-11-07. Review status: no assertion criteria provided. Collection method: clinical testing. Allele origin: germline. Affected: yes. Not counted in ClinVar's aggregate classification.

Literature cited by the submitters: PubMed 15241795 (cited by Labcorp Genetics (formerly Invitae), Labcorp); PubMed 31098894 (cited by Labcorp Genetics (formerly Invitae), Labcorp); PubMed 16905551 (cited by Labcorp Genetics (formerly Invitae), Labcorp); PubMed 19349279 (cited by Labcorp Genetics (formerly Invitae), Labcorp); PubMed 16571647 (cited by Labcorp Genetics (formerly Invitae), Labcorp); PubMed 17701892 (cited by Labcorp Genetics (formerly Invitae), Labcorp).